The following is an entry in ClinVar:

ClinVar aggregate classification (germline): Benign/Likely benign. Review status: criteria provided, multiple submitters, no conflicts (2 of 4 stars). 3 submissions from 3 submitters: Benign (1); Likely benign (2). Last evaluated 2026-04-01.

Conditions:
Menkes kinky-hair syndrome (MNK). Also called: Copper transport disease; Menkes Disease; Classic Menkes Disease. Identifiers: Orphanet 565, MedGen C0022716, MONDO:0010651, OMIM 309400.
Cutis laxa, X-linked (OHS). Also called: EDS IX; Occipital horn syndrome. Identifiers: Orphanet 198, MedGen C0268353, MONDO:0010572, OMIM 304150.
X-linked distal spinal muscular atrophy type 3. Also called: ATP7A-Related Distal Motor Neuropathy; SPINAL MUSCULAR ATROPHY, DISTAL, X-LINKED RECESSIVE; NEURONOPATHY, DISTAL HEREDITARY MOTOR, X-LINKED; NEUROPATHY, DISTAL HEREDITARY MOTOR, X-LINKED. Identifiers: Orphanet 139557, MedGen C1845359, MONDO:0010338, OMIM 300489.

Allele frequency attached by ClinVar (database versions not stated): ExAC 0.00003; gnomAD 0.00004 and 0.00006; gnomAD exomes 0.00006 and 0.00007; TOPMed 0.00008; ESP Exome Variant Server 0.00009; 1000 Genomes Project 0.00026; 1000 Genomes Project 30x 0.00042.
gnomAD v4.1: 88 of 1,208,395 alleles (0.0073%); highest among the groups gnomAD compares: Non-Finnish European, 0.0088%; no homozygotes.

Submissions (3):

CeGaT Center for Human Genetics Tuebingen
Classification: Likely benign. Last evaluated: 2026-04-01. Review status: criteria provided, single submitter. Criteria: CeGaT Center For Human Genetics Tuebingen Variant Classification Criteria Version 2. Collection method: clinical testing. Allele origin: germline. Affected: yes. Observed: 1 variant allele.
Comment: ATP7A: BP4, BP7, BS2

Labcorp Genetics (formerly Invitae), Labcorp
Classification: Benign for X-linked distal spinal muscular atrophy type 3; Cutis laxa, X-linked; Menkes kinky-hair syndrome. Last evaluated: 2025-12-20. Review status: criteria provided, single submitter. Criteria: Invitae Variant Classification Sherloc (09022015). Collection method: clinical testing. Allele origin: germline.

Blueprint Genetics
Classification: Likely benign. Last evaluated: 2024-06-11. Review status: criteria provided, single submitter. Criteria: ACMG Guidelines, 2015. Collection method: clinical testing. Allele origin: germline.

NM_000052.7(ATP7A):c.3094T>C (p.Leu1032=)

Gene: ATP7A (ATPase copper transporting alpha; plus strand). Cytogenetic location: Xq21.1.
Variant type: single nucleotide variant.
Coding change: c.3094T>C on transcript NM_000052.7 (MANE Select); coding-DNA position 3094, T replaced by C.
Protein change: p.Leu1032=; no amino-acid change (leucine 1032 retained).
Molecular consequence: synonymous variant.
Genome position (GRCh38, 1-based): chrX:78,029,427, T>C. VCF-style: chrX-78029427-T-C. GRCh37 (hg19) VCF-style: chrX-77284924-T-C.
Other names: c.2860T>C, p.Leu954= (NM_001282224.2).
Identifiers: ClinVar variation 533677 (VCV000533677.15), dbSNP rs369055537, ClinGen allele CA10459372.